The following is an entry in ClinVar:

NM_004247.4(EFTUD2):c.111TGA[2] (p.Asp44del)

Gene: EFTUD2 (elongation factor Tu GTP binding domain containing 2; minus strand). Cytogenetic location: 17q21.31.
Variant type: Microsatellite.
Coding change: c.111TGA[2] on transcript NM_004247.4 (MANE Select); two copies in a row of the 3-base unit TGA starting at c.111; the reference has three copies in a row; one copy, 3 bases deleted.
Protein change: p.Asp44del; deletes aspartic acid 44.
Genome position (GRCh38, 1-based): chr17:44,886,737-44,886,739, TCA deleted on the plus strand (TGA on the coding strand, the reverse complement: EFTUD2 is on the minus strand); deleting any 3 consecutive bases within chr17:44,886,737-44,886,747 gives the same sequence; the position shown is the placement nearest the transcript's 3' end. VCF-style (leftmost placement, unchanged base first): chr17-44886736-GTCA-G. GRCh37 (hg19) VCF-style: chr17-42964104-GTCA-G.
Other names: c.111TGA[2], p.Asp44del (NM_001258354.2, NM_001258353.2); c.6TGA[2], p.Asp9del (NM_001142605.2); short protein forms D9del, D44del.
Identifiers: ClinVar variation 3685492 (VCV003685492.2).
Genomic context (GRCh38, chr17:44,886,736, plus strand): 5'-ATGCAGCACCACCTCCATCCCAGGGTGGTCATCGTCATGATCTCCTACGTCATCGTCGTC[GTCA>G]TCATCATCCATCTGAAAGCAAGAGGGAGAGGGAGAATCGAAGAGGCACACGCTTTTCCTG-3'

ClinVar aggregate classification (germline): Uncertain significance (1 of 4 stars; one submission).

Submission:

Labcorp Genetics (formerly Invitae), Labcorp
Classification: Uncertain significance. Last evaluated: 2024-11-13. Review status: criteria provided, single submitter. Criteria: Invitae Variant Classification Sherloc (09022015). Collection method: clinical testing. Allele origin: germline.
Comment: This variant, c.117_119del, results in the deletion of 1 amino acid(s) of the EFTUD2 protein (p.Asp44del), but otherwise preserves the integrity of the reading frame. This variant is not present in population databases (gnomAD no frequency). This variant has not been reported in the literature in individuals affected with EFTUD2-related conditions. Experimental studies and prediction algorithms are not available or were not evaluated, and the functional significance of this variant is currently unknown. In summary, the available evidence is currently insufficient to determine the role of this variant in disease. Therefore, it has been classified as a Variant of Uncertain Significance.